The following is an entry in ClinVar:

ClinVar aggregate classification (germline): Uncertain significance. Review status: criteria provided, multiple submitters, no conflicts (2 of 4 stars). 4 submissions from 4 submitters: Uncertain significance (4). Last evaluated 2024-08-28.

Conditions:
Aortic aneurysm, familial thoracic 4 (AAT4). Also called: AORTIC ANEURYSM/AORTIC DISSECTION AND PATENT DUCTUS ARTERIOSUS. Identifiers: MedGen C1851504, MONDO:0007568, OMIM 132900.
Familial thoracic aortic aneurysm and aortic dissection (TAAD). Also called: Thoracic aortic aneurysms and dissections. Identifiers: Orphanet 91387, MedGen C4707243, MONDO:0019625.

Allele frequency attached by ClinVar (database versions not stated): TOPMed below 0.00001; gnomAD exomes 0.00001; ExAC 0.00002.
gnomAD v4.1: 16 of 1,614,202 alleles (0.00099%); highest among the groups gnomAD compares: Non-Finnish European, 0.0014%; no homozygotes.

Submissions (4):

Labcorp Genetics (formerly Invitae), Labcorp
Classification: Uncertain significance for Aortic aneurysm, familial thoracic 4. Last evaluated: 2024-08-28. Review status: criteria provided, single submitter. Criteria: Invitae Variant Classification Sherloc (09022015). Collection method: clinical testing. Allele origin: germline.
Comment: This sequence change replaces glutamic acid, which is acidic and polar, with aspartic acid, which is acidic and polar, at codon 1407 of the MYH11 protein (p.Glu1407Asp). This variant is present in population databases (rs754997732, gnomAD 0.003%). This variant has not been reported in the literature in individuals affected with MYH11-related conditions. ClinVar contains an entry for this variant (Variation ID: 920544). Invitae Evidence Modeling of protein sequence and biophysical properties (such as structural, functional, and spatial information, amino acid conservation, physicochemical variation, residue mobility, and thermodynamic stability) indicates that this missense variant is not expected to disrupt MYH11 protein function with a negative predictive value of 95%. In summary, the available evidence is currently insufficient to determine the role of this variant in disease. Therefore, it has been classified as a Variant of Uncertain Significance.

Color Diagnostics, LLC DBA Color Health
Classification: Uncertain significance for Familial thoracic aortic aneurysm and aortic dissection. Last evaluated: 2023-12-04. Review status: criteria provided, single submitter. Criteria: ACMG Guidelines, 2015. Collection method: clinical testing. Allele origin: germline.
Comment: This missense variant replaces glutamic acid with aspartic acid at codon 1407 of the MYH11 protein. Computational prediction suggests that this variant may not impact protein structure and function (internally defined REVEL score threshold <= 0.5, PMID: 27666373). To our knowledge, functional studies have not been reported for this variant. This variant has not been reported in individuals affected with MYH11-related disorders in the literature. This variant has been identified in 2/251452 chromosomes in the general population by the Genome Aggregation Database (gnomAD). The available evidence is insufficient to determine the role of this variant in disease conclusively. Therefore, this variant is classified as a Variant of Uncertain Significance.

Ambry Genetics
Classification: Uncertain significance for Familial thoracic aortic aneurysm and aortic dissection. Last evaluated: 2023-05-10. Review status: criteria provided, single submitter. Criteria: Ambry Variant Classification Scheme 2023. Collection method: clinical testing. Allele origin: germline.
Comment: The p.E1400D variant (also known as c.4200G>T), located in coding exon 30 of the MYH11 gene, results from a G to T substitution at nucleotide position 4200. The glutamic acid at codon 1400 is replaced by aspartic acid, an amino acid with highly similar properties. This amino acid position is not well conserved in available vertebrate species. In addition, this alteration is predicted to be tolerated by in silico analysis. Since supporting evidence is limited at this time, the clinical significance of this alteration remains unclear.

Women's Health and Genetics/Laboratory Corporation of America, LabCorp
Classification: Uncertain significance. Last evaluated: 2021-05-24. Review status: criteria provided, single submitter. Criteria: LabCorp Variant Classification Summary - May 2015. Collection method: clinical testing. Allele origin: germline.
Comment: Variant summary: MYH11 c.4221G>T (p.Glu1407Asp) results in a conservative amino acid change located in the Myosin tail domain (IPR002928) of the encoded protein sequence. Four of five in-silico tools predict a benign effect of the variant on protein function. The variant allele was found at a frequency of 8e-06 in 251452 control chromosomes. The available data on variant occurrences in the general population are insufficient to allow any conclusion about variant significance. To our knowledge, no occurrence of c.4221G>T in individuals affected with Thoracic Aortic Aneurysms And Dissections and no experimental evidence demonstrating its impact on protein function have been reported. Two clinical diagnostic laboratories have submitted clinical-significance assessments for this variant to ClinVar after 2014 without evidence for independent evaluation, both citing the variant as uncertain significance. Based on the evidence outlined above, the variant was classified as uncertain significance.

NM_002474.3(MYH11):c.4200G>T (p.Glu1400Asp)

Genes: NDE1 (nudE neurodevelopment protein 1; plus strand), MYH11 (myosin heavy chain 11; minus strand). Cytogenetic location: 16p13.11.
Variant type: single nucleotide variant.
Coding change: c.4200G>T on transcript NM_002474.3 (MANE Select); coding-DNA position 4200, G replaced by T.
Protein change: p.Glu1400Asp; replaces glutamic acid 1400 with aspartic acid.
Molecular consequence: missense variant. On other transcripts: 3 prime UTR variant (2).
Genome position (GRCh38, 1-based): chr16:15,724,326, C>A on the plus strand (G>T on the coding strand, the complement: MYH11 is on the minus strand). VCF-style: chr16-15724326-C-A. GRCh37 (hg19) VCF-style: chr16-15818183-C-A.
Other names: c.4221G>T, p.Glu1407Asp (NM_001040113.2, NM_001040114.2); c.4200G>T, p.Glu1400Asp (NM_022844.3); c.*75C>A (NM_001143979.2, NM_017668.3); short protein forms E1400D, E1407D.
Identifiers: ClinVar variation 920544 (VCV000920544.13), dbSNP rs754997732, ClinGen allele CA7921741.